The following is an entry in ClinVar:

ClinVar aggregate classification (germline): Pathogenic (1 of 4 stars; one submission).

Conditions:
Bardet-Biedl syndrome (BBS). Identifiers: Orphanet 110, MedGen C0752166, MONDO:0015229.

Submission:

Labcorp Genetics (formerly Invitae), Labcorp
Classification: Pathogenic for Bardet-Biedl syndrome. Last evaluated: 2024-10-24. Review status: criteria provided, single submitter. Criteria: Invitae Variant Classification Sherloc (09022015). Collection method: clinical testing. Allele origin: germline.
Comment: This sequence change creates a premature translational stop signal (p.Ser20Hisfs*11) in the BBS12 gene. While this is not anticipated to result in nonsense mediated decay, it is expected to disrupt the last 691 amino acid(s) of the BBS12 protein. This variant is not present in population databases (gnomAD no frequency). This variant has not been reported in the literature in individuals affected with BBS12-related conditions. ClinVar contains an entry for this variant (Variation ID: 1391679). This variant disrupts a region of the BBS12 protein in which other variant(s) (p.Arg675*) have been determined to be pathogenic (PMID: 20827784, 21642631). This suggests that this is a clinically significant region of the protein, and that variants that disrupt it are likely to be disease-causing. For these reasons, this variant has been classified as Pathogenic.

Literature cited by the submitters: PubMed 20827784; PubMed 21642631.

NM_152618.3(BBS12):c.58del (p.Ser20fs)

Gene: BBS12 (Bardet-Biedl syndrome 12; plus strand). Cytogenetic location: 4q27.
Variant type: Deletion.
Coding change: c.58del on transcript NM_152618.3 (MANE Select); coding-DNA position 58, one base deleted (T; older notation c.58delT).
Protein change: p.Ser20fs; shifts the reading frame from serine 20.
Molecular consequence: frameshift variant.
Genome position (GRCh38, 1-based): chr4:122,741,950, T deleted; the last of 3 consecutive T bases (chr4:122,741,948-122,741,950); deleting any one gives the same sequence. VCF-style (leftmost placement, unchanged base first): chr4-122741947-CT-C. GRCh37 (hg19) VCF-style: chr4-123663102-CT-C.
Other names: c.58del, p.Ser20fs (NM_001178007.2); short protein forms S20fs.
Identifiers: ClinVar variation 1391679 (VCV001391679.8), dbSNP rs2150735809, ClinGen allele CA2573138023.